The following is an entry in ClinVar:

NM_001367773.1(ESYT2):c.1958T>C (p.Ile653Thr)

Gene: ESYT2 (extended synaptotagmin 2; minus strand). Cytogenetic location: 7q36.3.
Variant type: single nucleotide variant.
Coding change: c.1958T>C on transcript NM_001367773.1 (MANE Select); coding-DNA position 1958, T replaced by C.
Protein change: p.Ile653Thr; replaces isoleucine 653 with threonine.
Molecular consequence: missense variant.
Genome position (GRCh38, 1-based): chr7:158,741,733, A>G on the plus strand (T>C on the coding strand, the complement: ESYT2 is on the minus strand). VCF-style: chr7-158741733-A-G. GRCh37 (hg19) VCF-style: chr7-158534424-A-G.
Other names: c.1895T>C, p.Ile632Thr (NM_020728.3); short protein forms I653T, I632T.
Identifiers: ClinVar variation 2383927 (VCV002383927.26), dbSNP rs148502320, ClinGen allele CA4593516.

ClinVar aggregate classification (germline): Conflicting classifications of pathogenicity. Review status: criteria provided, conflicting classifications (1 of 4 stars). 2 submissions from 2 submitters: Uncertain significance (1); Likely benign (1). Last evaluated 2024-01-03.

Allele frequency attached by ClinVar (database versions not stated): 1000 Genomes Project 30x 0.00016; 1000 Genomes Project 0.00020; gnomAD exomes 0.00066; ESP Exome Variant Server 0.00069; TOPMed 0.00071; ExAC 0.00074; gnomAD 0.00075.
gnomAD v4.1: 1,078 of 1,614,026 alleles (0.067%); highest among the groups gnomAD compares: Middle Eastern, 0.12%; 2 homozygotes.

Submissions (2):

Ambry Genetics
Classification: Uncertain significance. Last evaluated: 2024-01-03. Review status: criteria provided, single submitter. Criteria: Ambry Variant Classification Scheme 2023. Collection method: clinical testing. Allele origin: germline.

CeGaT Center for Human Genetics Tuebingen
Classification: Likely benign. Last evaluated: 2022-09-01. Review status: criteria provided, single submitter. Criteria: CeGaT Center For Human Genetics Tuebingen Variant Classification Criteria Version 2. Collection method: clinical testing. Allele origin: germline. Affected: yes. Observed: 1 variant allele.
Comment: ESYT2: BP4